The following is an entry in ClinVar:

NM_007272.3(CTRC):c.226A>G (p.Ile76Val)

Gene: CTRC (chymotrypsin C; plus strand). Cytogenetic location: 1p36.21.
Variant type: single nucleotide variant.
Coding change: c.226A>G on transcript NM_007272.3 (MANE Select); coding-DNA position 226, A replaced by G.
Protein change: p.Ile76Val; replaces isoleucine 76 with valine.
Molecular consequence: missense variant.
Genome position (GRCh38, 1-based): chr1:15,440,586, A>G. VCF-style: chr1-15440586-A-G. GRCh37 (hg19) VCF-style: chr1-15767082-A-G.
Other names: short protein forms I76V.
Identifiers: ClinVar variation 1788748 (VCV001788748.4), dbSNP rs910219514, ClinGen allele CA18250621.

ClinVar aggregate classification (germline): Uncertain significance. Review status: criteria provided, multiple submitters, no conflicts (2 of 4 stars). 2 submissions from 2 submitters: Uncertain significance (2). Last evaluated 2024-06-14.

Conditions:
Hereditary pancreatitis (PCTT). Also called: PRSS1-Related Hereditary Pancreatitis; Hereditary chronic pancreatitis. Identifiers: Orphanet 676, MedGen C0238339, MONDO:0008185, OMIM 167800.

Allele frequency attached by ClinVar (database versions not stated): gnomAD exomes below 0.00001.
gnomAD v4.1: 3 of 1,613,966 alleles (0.00019%); highest among the groups gnomAD compares: Non-Finnish European, 0.00025%; no homozygotes.

Submissions (2):

Fulgent Genetics
Classification: Uncertain significance for Hereditary pancreatitis. Last evaluated: 2024-06-14. Review status: criteria provided, single submitter. Criteria: ACMG Guidelines, 2015. Collection method: clinical testing. Allele origin: germline.

Ambry Genetics
Classification: Uncertain significance for Hereditary pancreatitis. Last evaluated: 2023-08-06. Review status: criteria provided, single submitter. Criteria: Ambry Variant Classification Scheme 2023. Collection method: clinical testing. Allele origin: germline.
Comment: The p.I76V variant (also known as c.226A>G), located in coding exon 3 of the CTRC gene, results from an A to G substitution at nucleotide position 226. The isoleucine at codon 76 is replaced by valine, an amino acid with highly similar properties. This amino acid position is conserved. In addition, this alteration is predicted to be tolerated by in silico analysis. Since supporting evidence is limited at this time, the clinical significance of this alteration remains unclear.